The following is an entry in ClinVar:

NM_000422.3(KRT17):c.-5C>T

Gene: KRT17 (keratin 17; minus strand). Cytogenetic location: 17q21.2.
Variant type: single nucleotide variant.
Coding change: c.-5C>T on transcript NM_000422.3 (MANE Select); 5 bases upstream of the start codon, C replaced by T.
Molecular consequence: 5 prime UTR variant.
Genome position (GRCh38, 1-based): chr17:41,624,514, G>A on the plus strand (C>T on the coding strand, the complement: KRT17 is on the minus strand). VCF-style: chr17-41624514-G-A. GRCh37 (hg19) VCF-style: chr17-39780766-G-A.
Identifiers: ClinVar variation 3037712 (VCV003037712.2), dbSNP rs187586045, ClinGen allele CA8563893.
Genomic context (GRCh38, chr17:41,624,514, plus strand): 5'-CCGGAGGAGCCCTTGATGGAGCTGGAGGAGGTGAACTGGCGGATGGAGGTGGTCATGGTG[G>A]CGGCGGCAGGAGGCAGGCACACAGGAGAAGGGCTGGAGAGGAGAGGGGCCCCAAGTTGTG-3'

ClinVar aggregate classification (germline): Benign (0 of 4 stars; one submission).

Conditions:
KRT17-related disorder. Also called: KRT17-related condition.

Allele frequency attached by ClinVar (database versions not stated): gnomAD exomes 0.00385; ExAC 0.00934; gnomAD 0.03720; TOPMed 0.04242; 1000 Genomes Project 0.04353; 1000 Genomes Project 30x 0.04466.

Submission:

PreventionGenetics, part of Exact Sciences
Classification: Benign for KRT17-related condition. Last evaluated: 2024-08-15. Review status: no assertion criteria provided. Collection method: clinical testing. Allele origin: germline.
Comment: This variant is classified as benign based on ACMG/AMP sequence variant interpretation guidelines (Richards et al. 2015 PMID: 25741868, with internal and published modifications).